The following is an entry in ClinVar:

NM_001271.4(CHD2):c.3455+191_3455+192del

Gene: CHD2 (chromodomain helicase DNA binding protein 2; plus strand). Cytogenetic location: 15q26.1.
Variant type: Deletion.
Coding change: c.3455+191_3455+192del on transcript NM_001271.4 (MANE Select); bases 191 to 192 of the intron after coding-DNA position 3455, 2 bases deleted (GA; older notation c.3455+191_3455+192delGA).
Molecular consequence: intron variant.
Genome position (GRCh38, 1-based): chr15:92,991,708-92,991,709, GA deleted. VCF-style (leftmost placement, unchanged base first): chr15-92991707-TGA-T. GRCh37 (hg19) VCF-style: chr15-93534937-TGA-T.
Identifiers: ClinVar variation 2570910 (VCV002570910.27), dbSNP rs1176261926, ClinGen allele CA619618799.
Genomic context (GRCh38, chr15:92,991,707, plus strand): 5'-CAAACATTTATATATTGGGTGCCTGTTCATTCATGTCTCTCTGCAGAGGGATGACAAAGA[TGA>T]TAAAGACAGGCCATCCATAAAAAGACTTTCACCTTCGTGAGGGAGATAAAGCAAGTATAT-3'

ClinVar aggregate classification (germline): Likely benign (1 of 4 stars; one submission).

Allele frequency attached by ClinVar (database versions not stated): 1000 Genomes Project 30x 0.00219; gnomAD exomes 0.00029; gnomAD 0.00147.

Submission:

CeGaT Center for Human Genetics Tuebingen
Classification: Likely benign. Last evaluated: 2023-04-01. Review status: criteria provided, single submitter. Criteria: CeGaT Center For Human Genetics Tuebingen Variant Classification Criteria Version 2. Collection method: clinical testing. Allele origin: germline. Affected: yes. Observed: 2 variant alleles.
Comment: CHD2: BS1